The following is an entry in ClinVar:

NM_078470.6(COX15):c.929C>G (p.Pro310Arg)

Gene: COX15 (cytochrome c oxidase assembly factor COX15; minus strand). Cytogenetic location: 10q24.2.
Variant type: single nucleotide variant.
Coding change: c.929C>G on transcript NM_078470.6 (MANE Select); coding-DNA position 929, C replaced by G.
Protein change: p.Pro310Arg; replaces proline 310 with arginine.
Molecular consequence: missense variant. On other transcripts: intron variant (2).
Genome position (GRCh38, 1-based): chr10:99,718,404, G>C on the plus strand (C>G on the coding strand, the complement: COX15 is on the minus strand). VCF-style: chr10-99718404-G-C. GRCh37 (hg19) VCF-style: chr10-101478161-G-C.
Other names: p.P310R:CCC>CGC; c.929C>G (NM_004376.6); c.929C>G, p.Pro310Arg (NM_001320974.2, NM_001372024.1, NM_001372025.1 and 2 more transcripts); c.392C>G, p.Pro131Arg (NM_001320976.2); c.902C>G, p.Pro301Arg (NM_001372026.1); c.833-1943C>G (NM_001372028.1, NM_001320975.2); short protein forms P310R, P131R, P301R.
Identifiers: ClinVar variation 214263 (VCV000214263.21), dbSNP rs138293000, ClinGen allele CA320228.

ClinVar aggregate classification (germline): Conflicting classifications of pathogenicity. Review status: criteria provided, conflicting classifications (1 of 4 stars). 6 submissions from 6 submitters: Uncertain significance (4); Benign (1). 1 of the submissions does not count toward it. Last evaluated 2026-01-31.

Conditions:
Cardioencephalomyopathy, fatal infantile, due to cytochrome c oxidase deficiency 2 (MC4DN6). Also called: MITOCHONDRIAL COMPLEX IV DEFICIENCY, NUCLEAR TYPE 6. Identifiers: Orphanet 1561, MedGen C3554534, MONDO:0014051, OMIM 615119.
COX15-related disorder. Also called: COX15-related condition.
Leigh syndrome (NULS). Also called: Subacute necrotizing encephalopathy; Necrotizing encephalopathy infantile subacute of Leigh; Leigh's syndrome; Leigh Disease; LEIGH SYNDROME, NUCLEAR; Leigh's necrotizing encephalopathy. Identifiers: Orphanet 506, MedGen C2931891, MONDO:0009723, OMIM 256000.

Allele frequency attached by ClinVar (database versions not stated): gnomAD 0.00029 and 0.00031; ESP Exome Variant Server 0.00031; TOPMed 0.00034.

Submissions (6):

Labcorp Genetics (formerly Invitae), Labcorp
Classification: Benign. Last evaluated: 2026-01-31. Review status: criteria provided, single submitter. Criteria: Invitae Variant Classification Sherloc (09022015). Collection method: clinical testing. Allele origin: germline.

GeneDx
Classification: Uncertain significance. Last evaluated: 2025-11-20. Review status: criteria provided, single submitter. Criteria: GeneDx Variant Classification Process June 2021. Collection method: clinical testing. Allele origin: germline. Affected: yes.
Comment: In silico analysis supports that this missense variant has a deleterious effect on protein structure/function; Has not been previously published as pathogenic or benign to our knowledge

Baylor Genetics
Classification: Uncertain significance for Cardioencephalomyopathy, fatal infantile, due to cytochrome c oxidase deficiency 2. Last evaluated: 2024-02-13. Review status: criteria provided, single submitter. Criteria: ACMG Guidelines, 2015. Collection method: clinical testing. Allele origin: unknown.

Department of Pathology and Laboratory Medicine, Sinai Health System
Classification: Uncertain significance for Leigh syndrome. Last evaluated: 2021-07-30. Review status: criteria provided, single submitter. Criteria: ACMG Guidelines, 2015. Collection method: research. Allele origin: germline.

Illumina Laboratory Services, Illumina
Classification: Uncertain significance for Leigh syndrome. Last evaluated: 2018-01-12. Review status: criteria provided, single submitter. Criteria: ICSL Variant Classification Criteria 13 December 2019. Collection method: clinical testing. Allele origin: germline.

PreventionGenetics, part of Exact Sciences
Classification: Benign for COX15-related condition. Last evaluated: 2019-05-18. Review status: no assertion criteria provided. Collection method: clinical testing. Allele origin: germline. Not counted in ClinVar's aggregate classification.
Comment: This variant is classified as benign based on ACMG/AMP sequence variant interpretation guidelines (Richards et al. 2015 PMID: 25741868, with internal and published modifications).